The following is an entry in ClinVar:

ClinVar aggregate classification (germline): Uncertain significance. Review status: criteria provided, multiple submitters, no conflicts (2 of 4 stars). 2 submissions from 2 submitters: Uncertain significance (2). Last evaluated 2022-03-02.

Conditions:
X-linked Alport syndrome (ATS1). Also called: NEPHROPATHY AND DEAFNESS, X-LINKED; COL4A5-Related Nephropathy. Identifiers: Orphanet 63, Orphanet 88917, MedGen C4746986, MONDO:0010520, OMIM 301050.

Allele frequency attached by ClinVar (database versions not stated): gnomAD exomes 0.00001 and 0.00003; ExAC 0.00005; gnomAD 0.00007 and 0.00008; TOPMed 0.00013; ESP Exome Variant Server 0.00019.
gnomAD v4.1: 16 of 1,205,310 alleles (0.0013%); highest among the groups gnomAD compares: African/African-American, 0.025%; no homozygotes.

Submissions (2):

Fulgent Genetics
Classification: Uncertain significance for X-linked Alport syndrome. Last evaluated: 2022-03-02. Review status: criteria provided, single submitter. Criteria: ACMG Guidelines, 2015. Collection method: clinical testing. Allele origin: unknown.

GeneDx
Classification: Uncertain significance. Last evaluated: 2019-11-11. Review status: criteria provided, single submitter. Criteria: GeneDx Variant Classification Process June 2021. Collection method: clinical testing. Allele origin: germline. Affected: yes.
Comment: In silico analysis, which includes protein predictors and evolutionary conservation, supports a deleterious effect; Has not been previously published as pathogenic or benign to our knowledge

NM_033380.3(COL4A5):c.2572C>A (p.Pro858Thr)

Gene: COL4A5 (collagen type IV alpha 5 chain; plus strand). Cytogenetic location: Xq22.3.
Variant type: single nucleotide variant.
Coding change: c.2572C>A on transcript NM_033380.3 (MANE Select); coding-DNA position 2572, C replaced by A.
Protein change: p.Pro858Thr; replaces proline 858 with threonine.
Molecular consequence: missense variant.
Genome position (GRCh38, 1-based): chrX:108,620,321, C>A. VCF-style: chrX-108620321-C-A. GRCh37 (hg19) VCF-style: chrX-107863551-C-A.
Other names: c.2572C>A, p.Pro858Thr (NM_000495.5); short protein forms P858T.
Identifiers: ClinVar variation 1310220 (VCV001310220.3), dbSNP rs147220200, ClinGen allele CA10488946.